The following is an entry in ClinVar:

ClinVar aggregate classification (germline): Likely benign. Review status: criteria provided, multiple submitters, no conflicts (2 of 4 stars). 5 submissions from 5 submitters: Likely benign (4). 1 of the submissions does not count toward it. Last evaluated 2025-11-17.

Conditions:
Familial cancer of breast. Also called: BREAST CANCER, FAMILIAL; hereditary breast carcinoma; Hereditary breast cancer. Identifiers: Orphanet 227535, MedGen C0346153, MONDO:0016419, OMIM 114480. Disease mechanism: loss of function.
Ataxia-telangiectasia syndrome (AT). Also called: AT, COMPLEMENTATION GROUP C; ATAXIA-TELANGIECTASIA, COMPLEMENTATION GROUP A; ATAXIA-TELANGIECTASIA, FRESNO VARIANT; LOUIS-BAR SYNDROME; Ataxia-telangiectasia; Cerebello-oculocutaneous telangiectasia. Identifiers: Orphanet 100, MedGen C0004135, MONDO:0008840, OMIM 208900.
Hereditary cancer-predisposing syndrome. Also called: Neoplastic Syndromes, Hereditary; Hereditary neoplastic syndrome; Tumor predisposition; Hereditary Cancer Syndrome. Identifiers: Orphanet 140162, MedGen C0027672, MeSH D009386, MONDO:0015356.

Allele frequency attached by ClinVar (database versions not stated): gnomAD exomes below 0.00001; gnomAD 0.00001; TOPMed 0.00004.
gnomAD v4.1: 3 of 1,612,958 alleles (0.00019%); highest among the groups gnomAD compares: Admixed American, 0.0033%; no homozygotes.

Submissions (5):

Labcorp Genetics (formerly Invitae), Labcorp
Classification: Likely benign for Ataxia-telangiectasia syndrome. Last evaluated: 2025-11-17. Review status: criteria provided, single submitter. Criteria: Invitae Variant Classification Sherloc (09022015). Collection method: clinical testing. Allele origin: germline.

Myriad Genetics, Inc.
Classification: Likely benign for Familial cancer of breast. Last evaluated: 2024-05-10. Review status: criteria provided, single submitter. Criteria: Myriad Autosomal Dominant, Autosomal Recessive and X-Linked Classification Criteria (2023). Collection method: clinical testing. Allele origin: unknown.
Comment: This variant is considered likely benign. This variant is intronic and is not expected to impact mRNA splicing.

GeneDx
Classification: Likely benign. Last evaluated: 2019-12-20. Review status: criteria provided, single submitter. Criteria: GeneDx Variant Classification Process June 2021. Collection method: clinical testing. Allele origin: germline. Affected: yes.

Color Diagnostics, LLC DBA Color Health
Classification: Likely benign for Hereditary cancer-predisposing syndrome. Last evaluated: 2018-11-15. Review status: criteria provided, single submitter. Criteria: ACMG Guidelines, 2015. Collection method: clinical testing. Allele origin: germline.

Counsyl
Classification: Likely benign for Ataxia-telangiectasia syndrome. Last evaluated: 2018-03-14. Review status: no assertion criteria provided. Collection method: clinical testing. Allele origin: unknown. Not counted in ClinVar's aggregate classification.

NM_000051.4(ATM):c.2639-7T>C

Gene: ATM (ATM serine/threonine kinase; plus strand). Cytogenetic location: 11q22.3.
Variant type: single nucleotide variant.
Coding change: c.2639-7T>C on transcript NM_000051.4 (MANE Select); 7 bases into the intron before coding-DNA position 2639, T replaced by C.
Molecular consequence: intron variant.
Genome position (GRCh38, 1-based): chr11:108,268,403, T>C. VCF-style: chr11-108268403-T-C. GRCh37 (hg19) VCF-style: chr11-108139130-T-C.
Other names: c.2639-7T>C (NM_001351834.2).
Identifiers: ClinVar variation 386491 (VCV000386491.14), dbSNP rs912886321, ClinGen allele CA16606045.